The following is an entry in ClinVar:

NM_001184.4(ATR):c.2750C>A (p.Ala917Asp)

Gene: ATR (ATR checkpoint kinase; minus strand). Cytogenetic location: 3q23.
Variant type: single nucleotide variant.
Coding change: c.2750C>A on transcript NM_001184.4 (MANE Select); coding-DNA position 2750, C replaced by A.
Protein change: p.Ala917Asp; replaces alanine 917 with aspartic acid.
Molecular consequence: missense variant.
Genome position (GRCh38, 1-based): chr3:142,553,282, G>T on the plus strand (C>A on the coding strand, the complement: ATR is on the minus strand). VCF-style: chr3-142553282-G-T. GRCh37 (hg19) VCF-style: chr3-142272124-G-T.
Other names: c.2558C>A, p.Ala853Asp (NM_001354579.2); short protein forms A853D, A917D.
Identifiers: ClinVar variation 1795560 (VCV001795560.2), dbSNP rs2108462157, ClinGen allele CA354814466.
Genomic context (GRCh38, chr3:142,553,282, plus strand): 5'-CTTACCTGACAGATGGGTTTCTTATACTGGCTGAAAAAACTTTGCAGTTTAACACTTTTA[G>T]CTGCAACCAGAGCTCTAATTTCTGTGTATGCTGCTCCAGAGACAGATGCTGACTTGGATA-3'
Protein context (NP_001175.2, residues 907-927): AYTEIRALVA[Ala917Asp]KSVKLQSFFS

ClinVar aggregate classification (germline): Uncertain significance (1 of 4 stars; one submission).

Conditions:
Inborn genetic diseases. Identifiers: MedGen C0950123, MeSH D030342.

Submission:

Ambry Genetics
Classification: Uncertain significance for Inborn genetic diseases. Last evaluated: 2022-09-26. Review status: criteria provided, single submitter. Criteria: Ambry Variant Classification Scheme 2023. Collection method: clinical testing. Allele origin: germline.
Comment: The p.A917D variant (also known as c.2750C>A), located in coding exon 13 of the ATR gene, results from a C to A substitution at nucleotide position 2750. The alanine at codon 917 is replaced by aspartic acid, an amino acid with dissimilar properties. This amino acid position is conserved. In addition, the in silico prediction for this alteration is inconclusive. Since supporting evidence is limited at this time, the clinical significance of this alteration remains unclear.